The following is an entry in ClinVar:

ClinVar aggregate classification (germline): Conflicting classifications of pathogenicity. Review status: criteria provided, conflicting classifications (1 of 4 stars). 2 submissions from 2 submitters: Uncertain significance (1); Likely benign (1). Last evaluated 2025-06-12.

Allele frequency attached by ClinVar (database versions not stated): ExAC 0.00008; TOPMed 0.00009; gnomAD 0.00013; gnomAD exomes 0.00017; ESP Exome Variant Server 0.00038.
gnomAD v4.1: 260 of 1,613,926 alleles (0.016%); highest among the groups gnomAD compares: Non-Finnish European, 0.02%; no homozygotes.

Submissions (2):

Labcorp Genetics (formerly Invitae), Labcorp
Classification: Uncertain significance. Last evaluated: 2025-06-12. Review status: criteria provided, single submitter. Criteria: Invitae Variant Classification Sherloc (09022015). Collection method: clinical testing. Allele origin: germline.
Comment: This sequence change replaces asparagine, which is neutral and polar, with serine, which is neutral and polar, at codon 873 of the KANK4 protein (p.Asn873Ser). This variant is present in population databases (rs142552073, gnomAD 0.02%). This variant has not been reported in the literature in individuals affected with KANK4-related conditions. ClinVar contains an entry for this variant (Variation ID: 2047511). An algorithm developed to predict the effect of missense changes on protein structure and function outputs the following: PolyPhen-2: "Benign". The serine amino acid residue is found in multiple mammalian species, which suggests that this missense change does not adversely affect protein function. In summary, the available evidence is currently insufficient to determine the role of this variant in disease. Therefore, it has been classified as a Variant of Uncertain Significance.

Ambry Genetics
Classification: Likely benign. Last evaluated: 2024-12-14. Review status: criteria provided, single submitter. Criteria: Ambry Variant Classification Scheme 2023. Collection method: clinical testing. Allele origin: germline.

NM_181712.5(KANK4):c.2618A>G (p.Asn873Ser)

Gene: KANK4 (KN motif and ankyrin repeat domains 4; minus strand). Cytogenetic location: 1p31.3.
Variant type: single nucleotide variant.
Coding change: c.2618A>G on transcript NM_181712.5 (MANE Select); coding-DNA position 2618, A replaced by G.
Protein change: p.Asn873Ser; replaces asparagine 873 with serine.
Molecular consequence: missense variant.
Genome position (GRCh38, 1-based): chr1:62,253,131, T>C on the plus strand (A>G on the coding strand, the complement: KANK4 is on the minus strand). VCF-style: chr1-62253131-T-C. GRCh37 (hg19) VCF-style: chr1-62718803-T-C.
Other names: c.734A>G, p.Asn245Ser (NM_001320269.2); c.2618A>G (NM_181712.4); short protein forms N245S, N873S.
Identifiers: ClinVar variation 2047511 (VCV002047511.5), dbSNP rs142552073, ClinGen allele CA884029.